The following is an entry in ClinVar:

NM_024664.4(PPCS):c.762G>C (p.Val254=)

Genes: CCDC30 (coiled-coil domain containing 30; plus strand), PPCS (phosphopantothenoylcysteine synthetase; plus strand). Cytogenetic location: 1p34.2.
Variant type: single nucleotide variant.
Coding change: c.762G>C on transcript NM_024664.4 (MANE Select); coding-DNA position 762, G replaced by C.
Protein change: p.Val254=; no amino-acid change (valine 254 retained).
Molecular consequence: synonymous variant. On other transcripts: intron variant (2).
Genome position (GRCh38, 1-based): chr1:42,459,752, G>C. VCF-style: chr1-42459752-G-C. GRCh37 (hg19) VCF-style: chr1-42925423-G-C.
Other names: c.243G>C, p.Val81= (NM_001077447.3, NM_001287506.1, NM_001287508.2 and 2 more transcripts); c.144G>C, p.Val48= (NM_001287507.1); c.-880+2402G>C (NM_001355226.2); c.612+2402G>C (NM_001287511.2).
Identifiers: ClinVar variation 1572621 (VCV001572621.10), dbSNP rs146107417, ClinGen allele CA800066.
Genomic context (GRCh38, chr1:42,459,752, plus strand): 5'-TGACCCCGCCATTGTAATTAATCGAGCTCGGAAGGCTTTGGAAATTTATCAGCATCAAGT[G>C]GTGGTGGCTAATATCCTTGAGTCACGACAGTCCTTTGTGTTTATTGTAACCAAAGACTCG-3'
Protein context (NP_078940.2, residues 244-264): RKALEIYQHQ[Val254=]VVANILESRQ

ClinVar aggregate classification (germline): Benign. Review status: criteria provided, single submitter (1 of 4 stars). 2 submissions from 2 submitters: Benign (1). 1 of the submissions does not count toward it. Last evaluated 2026-01-27.

Conditions:
PPCS-related disorder. Also called: PPCS-related condition.

Allele frequency attached by ClinVar (database versions not stated): gnomAD 0.00056 and 0.00033; 1000 Genomes Project 0.00100; 1000 Genomes Project 30x 0.00078; gnomAD exomes 0.00082; TOPMed 0.00044; ESP Exome Variant Server 0.00042.
gnomAD v4.1: 1,318 of 1,614,174 alleles (0.082%); highest among the groups gnomAD compares: South Asian, 0.82%; 14 homozygotes.

Submissions (2):

Labcorp Genetics (formerly Invitae), Labcorp
Classification: Benign. Last evaluated: 2026-01-27. Review status: criteria provided, single submitter. Criteria: Invitae Variant Classification Sherloc (09022015). Collection method: clinical testing. Allele origin: germline.

PreventionGenetics, part of Exact Sciences
Classification: Benign for PPCS-related condition. Last evaluated: 2019-06-25. Review status: no assertion criteria provided. Collection method: clinical testing. Allele origin: germline. Not counted in ClinVar's aggregate classification.
Comment: This variant is classified as benign based on ACMG/AMP sequence variant interpretation guidelines (Richards et al. 2015 PMID: 25741868, with internal and published modifications).